The following is an entry in ClinVar:

ClinVar aggregate classification (germline): Likely pathogenic (1 of 4 stars; one submission).

Conditions:
LAMA2-related muscular dystrophy (LAMA2-RD). Also called: Laminin alpha 2-related dystrophy. Identifiers: MedGen C5679788, MONDO:0100228.

Submission:

Labcorp Genetics (formerly Invitae), Labcorp
Classification: Likely pathogenic for LAMA2-related muscular dystrophy. Last evaluated: 2023-06-17. Review status: criteria provided, single submitter. Criteria: Invitae Variant Classification Sherloc (09022015). Collection method: clinical testing. Allele origin: germline.
Comment: This variant is not present in population databases (gnomAD no frequency). In summary, the currently available evidence indicates that the variant is pathogenic, but additional data are needed to prove that conclusively. Therefore, this variant has been classified as Likely Pathogenic. Algorithms developed to predict the effect of sequence changes on RNA splicing suggest that this variant may disrupt the consensus splice site. ClinVar contains an entry for this variant (Variation ID: 1972764). This variant has not been reported in the literature in individuals affected with LAMA2-related conditions. This sequence change affects an acceptor splice site in intron 27 of the LAMA2 gene. It is expected to disrupt RNA splicing. Variants that disrupt the donor or acceptor splice site typically lead to a loss of protein function (PMID: 16199547), and loss-of-function variants in LAMA2 are known to be pathogenic (PMID: 18700894, 32904964).

Literature cited by the submitters: PubMed 16199547; PubMed 18700894; PubMed 32904964.

NM_000426.4(LAMA2):c.4059-1G>A

Gene: LAMA2 (laminin subunit alpha 2; plus strand). Cytogenetic location: 6q22.33.
Variant type: single nucleotide variant.
Coding change: c.4059-1G>A on transcript NM_000426.4 (MANE Select); the canonical splice acceptor site of the intron before coding-DNA position 4059, G replaced by A.
Molecular consequence: splice acceptor variant.
Genome position (GRCh38, 1-based): chr6:129,320,537, G>A. VCF-style: chr6-129320537-G-A. GRCh37 (hg19) VCF-style: chr6-129641682-G-A.
Other names: c.4059-1G>A (NM_001079823.2).
Identifiers: ClinVar variation 1972764 (VCV001972764.5), dbSNP rs2482439531, ClinGen allele CA365612409.